The following is an entry in ClinVar:

ClinVar aggregate classification (germline): Benign. Review status: criteria provided, multiple submitters, no conflicts (2 of 4 stars). 3 submissions from 3 submitters: Benign (3). Last evaluated 2024-01-24.

Allele frequency attached by ClinVar (database versions not stated): 1000 Genomes Project 30x 0.74110; 1000 Genomes Project 0.74681; TOPMed 0.75021; gnomAD 0.75454 and 0.75488; gnomAD exomes 0.76572.
gnomAD v4.1: 1,048,935 of 1,371,976 alleles (76%); highest among the groups gnomAD compares: East Asian, 86%; 401,735 homozygotes.

Submissions (3):

Unidad de Genómica Garrahan, Hospital de Pediatría Garrahan
Classification: Benign. Last evaluated: 2024-01-24. Review status: criteria provided, single submitter. Criteria: ACMG Guidelines, 2015. Collection method: clinical testing. Allele origin: germline. Affected: no. Observed: 84 variant alleles.
Comment: This variant is classified as Benign based on local population frequency. This variant was detected in 88% of patients studied by a panel of primary immunodeficiencies. Number of patients: 84. Only high quality variants are reported.

GeneDx
Classification: Benign. Last evaluated: 2018-06-26. Review status: criteria provided, single submitter. Criteria: GeneDx Variant Classification Process June 2021. Collection method: clinical testing. Allele origin: germline. Affected: yes.

Breakthrough Genomics
Classification: Benign. Review status: criteria provided, single submitter. Criteria: ACMG Guidelines, 2015. Collection method: not provided. Allele origin: germline. Inheritance: Autosomal recessive inheritance. Affected: yes.

NM_001291303.3(FAT4):c.12480-71G>T

Gene: FAT4 (FAT atypical cadherin 4; plus strand). Cytogenetic location: 4q28.1.
Variant type: single nucleotide variant.
Coding change: c.12480-71G>T on transcript NM_001291303.3 (MANE Select); 71 bases into the intron before coding-DNA position 12480, G replaced by T.
Molecular consequence: intron variant.
Genome position (GRCh38, 1-based): chr4:125,479,670, G>T. VCF-style: chr4-125479670-G-T. GRCh37 (hg19) VCF-style: chr4-126400825-G-T.
Other names: c.12480-71G>T (NM_001291285.3); c.12474-71G>T (NM_024582.6).
Identifiers: ClinVar variation 1249687 (VCV001249687.5), dbSNP rs1506361, ClinGen allele CA11894875.